The following is an entry in ClinVar:

NM_015450.3(POT1):c.136G>A (p.Val46Ile)

Gene: POT1 (protection of telomeres 1; minus strand). Cytogenetic location: 7q31.33.
Variant type: single nucleotide variant.
Coding change: c.136G>A on transcript NM_015450.3 (MANE Select); coding-DNA position 136, G replaced by A.
Protein change: p.Val46Ile; replaces valine 46 with isoleucine.
Molecular consequence: missense variant. On other transcripts: non-coding transcript variant (3), intron variant (1).
Genome position (GRCh38, 1-based): chr7:124,871,030, C>T on the plus strand (G>A on the coding strand, the complement: POT1 is on the minus strand). VCF-style: chr7-124871030-C-T. GRCh37 (hg19) VCF-style: chr7-124511084-C-T.
Other names: c.-138-7390G>A (NM_001042594.2); c.136G>A (NM_015450.2); short protein forms V46I.
Identifiers: ClinVar variation 2879800 (VCV002879800.4), dbSNP rs2116567839, ClinGen allele CA369061705.
Genomic context (GRCh38, chr7:124,871,030, plus strand): 5'-AGTTTCCACTAAAGAGCAGGCAAGTTAGTTTTACATTTGTCTGGTCCACAATAGTTACAA[C>T]TGAGCAATAATCTGGAAAACACAAAAATATTTTACCTGACTTTCAATATTTTAAAGCATT-3'
Protein context (NP_056265.2, residues 36-56): YLSKGTDYCS[Val46Ile]VTIVDQTNVK

ClinVar aggregate classification (germline): Uncertain significance. Review status: criteria provided, multiple submitters, no conflicts (2 of 4 stars). 2 submissions from 2 submitters: Uncertain significance (2). Last evaluated 2025-09-25.

Conditions:
Tumor predisposition syndrome 3 (TPDS3). Also called: LONG TELOMERE SYNDROME, POT1-RELATED; POT1 Tumor Predisposition; Melanoma, cutaneous malignant, susceptibility to, 10; Glioma susceptibility 9. Identifiers: Orphanet 618, MedGen C4014476, MONDO:0014368, OMIM 615848.
Hereditary cancer-predisposing syndrome. Also called: Tumor predisposition; Hereditary neoplastic syndrome; Hereditary Cancer Syndrome; Neoplastic Syndromes, Hereditary. Identifiers: Orphanet 140162, MedGen C0027672, MeSH D009386, MONDO:0015356.

Submissions (2):

Ambry Genetics
Classification: Uncertain significance for Hereditary cancer-predisposing syndrome. Last evaluated: 2025-09-25. Review status: criteria provided, single submitter. Criteria: Ambry Variant Classification Scheme 2023. Collection method: clinical testing. Allele origin: germline.

Labcorp Genetics (formerly Invitae), Labcorp
Classification: Uncertain significance for Tumor predisposition syndrome 3. Last evaluated: 2023-03-10. Review status: criteria provided, single submitter. Criteria: Invitae Variant Classification Sherloc (09022015). Collection method: clinical testing. Allele origin: germline.
Comment: In summary, the available evidence is currently insufficient to determine the role of this variant in disease. Therefore, it has been classified as a Variant of Uncertain Significance. Advanced modeling of protein sequence and biophysical properties (such as structural, functional, and spatial information, amino acid conservation, physicochemical variation, residue mobility, and thermodynamic stability) performed at Invitae indicates that this missense variant is not expected to disrupt POT1 protein function. This variant has not been reported in the literature in individuals affected with POT1-related conditions. This variant is not present in population databases (gnomAD no frequency). This sequence change replaces valine, which is neutral and non-polar, with isoleucine, which is neutral and non-polar, at codon 46 of the POT1 protein (p.Val46Ile).